The following is an entry in ClinVar:

ClinVar aggregate classification (germline): Uncertain significance (1 of 4 stars; one submission).

Submission:

GeneDx
Classification: Uncertain significance. Last evaluated: 2023-03-24. Review status: criteria provided, single submitter. Criteria: GeneDx Variant Classification Process June 2021. Collection method: clinical testing. Allele origin: germline. Affected: yes.
Comment: Not observed at significant frequency in large population cohorts (gnomAD); Frameshift variant predicted to result in protein truncation or nonsense mediated decay in a gene or region of a gene for which loss of function is not a well-established mechanism of disease; Has not been previously published as pathogenic or benign to our knowledge

NM_004593.3(TRA2B):c.281del (p.His94fs)

Gene: TRA2B (transformer 2 beta homolog; minus strand). Cytogenetic location: 3q27.2.
Variant type: Deletion.
Coding change: c.281del on transcript NM_004593.3 (MANE Select); coding-DNA position 281, one base deleted (A; older notation c.281delA).
Protein change: p.His94fs; shifts the reading frame from histidine 94.
Molecular consequence: frameshift variant. On other transcripts: 5 prime UTR variant (1).
Genome position (GRCh38, 1-based): chr3:185,925,516, T deleted on the plus strand (A on the coding strand, the reverse complement: TRA2B is on the minus strand). VCF-style (leftmost placement, unchanged base first): chr3-185925515-GT-G. GRCh37 (hg19) VCF-style: chr3-185643303-GT-G.
Other names: c.-20del (NM_001243879.2); short protein forms H94fs.
Identifiers: ClinVar variation 2582049 (VCV002582049.1), dbSNP rs2473750323, ClinGen allele CA2582342650.